The following is an entry in ClinVar:

NM_152296.5(ATP1A3):c.1973C>T (p.Thr658Ile)

Gene: ATP1A3 (ATPase Na+/K+ transporting subunit alpha 3; minus strand). Cytogenetic location: 19q13.2.
Variant type: single nucleotide variant.
Coding change: c.1973C>T on transcript NM_152296.5 (MANE Select); coding-DNA position 1973, C replaced by T.
Protein change: p.Thr658Ile; replaces threonine 658 with isoleucine.
Molecular consequence: missense variant.
Genome position (GRCh38, 1-based): chr19:41,976,537, G>A on the plus strand (C>T on the coding strand, the complement: ATP1A3 is on the minus strand). VCF-style: chr19-41976537-G-A. GRCh37 (hg19) VCF-style: chr19-42480689-G-A.
Other names: c.2006C>T, p.Thr669Ile (NM_001256213.2); c.2012C>T, p.Thr671Ile (NM_001256214.2); short protein forms T669I, T671I, T658I.
Identifiers: ClinVar variation 849405 (VCV000849405.9), dbSNP rs1241113172, ClinGen allele CA406043481.
Genomic context (GRCh38, chr19:41,976,537, plus strand): 5'-ATCTCGGTGTGATTCTGCAGGATCTCGTCGATTTGCTCGGAGGTGAAGTCCTTGAGGTCG[G>A]TGCCGTGGATCACGCAGGCCTTGGCATCCCTGGGAAGAGCAGAGAGAGCGATGGCTGAGG-3'
Protein context (NP_689509.1, residues 648-668): RDAKACVIHG[Thr658Ile]DLKDFTSEQI

ClinVar aggregate classification (germline): Uncertain significance (1 of 4 stars; one submission).

Conditions:
Dystonia 12 (DYT12). Also called: Rapid-Onset Dystonia-Parkinsonism (RDP); DYT-ATP1A3. Identifiers: Orphanet 71517, MedGen C1868681, MONDO:0007496, OMIM 128235.

Allele frequency attached by ClinVar (database versions not stated): gnomAD exomes below 0.00001; gnomAD 0.00001; TOPMed 0.00001.
gnomAD v4.1: 3 of 1,614,052 alleles (0.00019%); highest among the groups gnomAD compares: South Asian, 0.0011%; no homozygotes.

Submission:

Labcorp Genetics (formerly Invitae), Labcorp
Classification: Uncertain significance for Dystonia 12. Last evaluated: 2022-10-13. Review status: criteria provided, single submitter. Criteria: Invitae Variant Classification Sherloc (09022015). Collection method: clinical testing. Allele origin: germline.
Comment: This sequence change replaces threonine, which is neutral and polar, with isoleucine, which is neutral and non-polar, at codon 658 of the ATP1A3 protein (p.Thr658Ile). Advanced modeling of protein sequence and biophysical properties (such as structural, functional, and spatial information, amino acid conservation, physicochemical variation, residue mobility, and thermodynamic stability) performed at Invitae indicates that this missense variant is expected to disrupt ATP1A3 protein function. In summary, the available evidence is currently insufficient to determine the role of this variant in disease. Therefore, it has been classified as a Variant of Uncertain Significance. This variant is present in population databases (no rsID available, gnomAD 0.0009%). This variant has not been reported in the literature in individuals affected with ATP1A3-related conditions. ClinVar contains an entry for this variant (Variation ID: 849405).